The following is an entry in ClinVar:

NM_006734.4(HIVEP2):c.215C>T (p.Pro72Leu)

Gene: HIVEP2 (HIVEP zinc finger 2; minus strand). Cytogenetic location: 6q24.2.
Variant type: single nucleotide variant.
Coding change: c.215C>T on transcript NM_006734.4 (MANE Select); coding-DNA position 215, C replaced by T.
Protein change: p.Pro72Leu; replaces proline 72 with leucine.
Molecular consequence: missense variant.
Genome position (GRCh38, 1-based): chr6:142,774,524, G>A on the plus strand (C>T on the coding strand, the complement: HIVEP2 is on the minus strand). VCF-style: chr6-142774524-G-A. GRCh37 (hg19) VCF-style: chr6-143095661-G-A.
Other names: short protein forms P72L.
Identifiers: ClinVar variation 1299052 (VCV001299052.37), dbSNP rs1301187531, ClinGen allele CA365916543.

ClinVar aggregate classification (germline): Uncertain significance. Review status: criteria provided, multiple submitters, no conflicts (2 of 4 stars). 2 submissions from 2 submitters: Uncertain significance (2). Last evaluated 2025-06-02.

Allele frequency attached by ClinVar (database versions not stated): TOPMed 0.00002; gnomAD 0.00003.
gnomAD v4.1: 17 of 1,614,080 alleles (0.0011%); highest among the groups gnomAD compares: Non-Finnish European, 0.0014%; no homozygotes.

Submissions (2):

Labcorp Genetics (formerly Invitae), Labcorp
Classification: Uncertain significance. Last evaluated: 2025-06-02. Review status: criteria provided, single submitter. Criteria: Invitae Variant Classification Sherloc (09022015). Collection method: clinical testing. Allele origin: germline.
Comment: This sequence change replaces proline, which is neutral and non-polar, with leucine, which is neutral and non-polar, at codon 72 of the HIVEP2 protein (p.Pro72Leu). This variant is not present in population databases (gnomAD no frequency). This variant has not been reported in the literature in individuals affected with HIVEP2-related conditions. ClinVar contains an entry for this variant (Variation ID: 1299052). Invitae Evidence Modeling of protein sequence and biophysical properties (such as structural, functional, and spatial information, amino acid conservation, physicochemical variation, residue mobility, and thermodynamic stability) indicates that this missense variant is not expected to disrupt HIVEP2 protein function with a negative predictive value of 80%. In summary, the available evidence is currently insufficient to determine the role of this variant in disease. Therefore, it has been classified as a Variant of Uncertain Significance.

CeGaT Center for Human Genetics Tuebingen
Classification: Uncertain significance. Last evaluated: 2024-05-01. Review status: criteria provided, single submitter. Criteria: CeGaT Center For Human Genetics Tuebingen Variant Classification Criteria Version 2. Collection method: clinical testing. Allele origin: germline. Affected: yes. Observed: 2 variant alleles.
Comment: HIVEP2: PM2:Supporting, BP4